The following is an entry in ClinVar:

ClinVar aggregate classification (germline): Uncertain significance (1 of 4 stars; one submission).

Allele frequency attached by ClinVar (database versions not stated): TOPMed below 0.00001.
gnomAD v4.1: 4 of 1,613,764 alleles (0.00025%); highest among the groups gnomAD compares: Admixed American, 0.0067%; no homozygotes.

Submission:

Labcorp Genetics (formerly Invitae), Labcorp
Classification: Uncertain significance. Last evaluated: 2022-10-17. Review status: criteria provided, single submitter. Criteria: Invitae Variant Classification Sherloc (09022015). Collection method: clinical testing. Allele origin: germline.
Comment: Algorithms developed to predict the effect of missense changes on protein structure and function (SIFT, PolyPhen-2, Align-GVGD) all suggest that this variant is likely to be tolerated. This variant has not been reported in the literature in individuals affected with FAN1-related conditions. This variant is present in population databases (no rsID available, gnomAD 0.01%). This sequence change replaces aspartic acid, which is acidic and polar, with glycine, which is neutral and non-polar, at codon 173 of the FAN1 protein (p.Asp173Gly). In summary, the available evidence is currently insufficient to determine the role of this variant in disease. Therefore, it has been classified as a Variant of Uncertain Significance.

NM_014967.5(FAN1):c.518A>G (p.Asp173Gly)

Gene: FAN1 (FANCD2 and FANCI associated nuclease 1; plus strand). Cytogenetic location: 15q13.3.
Variant type: single nucleotide variant.
Coding change: c.518A>G on transcript NM_014967.5 (MANE Select); coding-DNA position 518, A replaced by G.
Protein change: p.Asp173Gly; replaces aspartic acid 173 with glycine.
Molecular consequence: missense variant.
Genome position (GRCh38, 1-based): chr15:30,905,181, A>G. VCF-style: chr15-30905181-A-G. GRCh37 (hg19) VCF-style: chr15-31197384-A-G.
Other names: c.518A>G, p.Asp173Gly (NM_001146094.2, NM_001146095.1, NM_001146096.2); short protein forms D173G.
Identifiers: ClinVar variation 2171265 (VCV002171265.2), dbSNP rs1023630555, ClinGen allele CA267512394.